The following is an entry in ClinVar:

NM_001008537.3(NEXMIF):c.2665T>C (p.Trp889Arg)

Gene: NEXMIF (neurite extension and migration factor; minus strand). Cytogenetic location: Xq13.3.
Variant type: single nucleotide variant.
Coding change: c.2665T>C on transcript NM_001008537.3 (MANE Select); coding-DNA position 2665, T replaced by C.
Protein change: p.Trp889Arg; replaces tryptophan 889 with arginine.
Molecular consequence: missense variant.
Genome position (GRCh38, 1-based): chrX:74,741,892, A>G on the plus strand (T>C on the coding strand, the complement: NEXMIF is on the minus strand). VCF-style: chrX-74741892-A-G. GRCh37 (hg19) VCF-style: chrX-73961727-A-G.
Other names: short protein forms W889R.
Identifiers: ClinVar variation 2031545 (VCV002031545.4), dbSNP rs1441050078, ClinGen allele CA413667708.

ClinVar aggregate classification (germline): Uncertain significance (1 of 4 stars; one submission).

Submission:

Labcorp Genetics (formerly Invitae), Labcorp
Classification: Uncertain significance. Last evaluated: 2025-04-14. Review status: criteria provided, single submitter. Criteria: Invitae Variant Classification Sherloc (09022015). Collection method: clinical testing. Allele origin: germline.
Comment: This sequence change replaces tryptophan, which is neutral and slightly polar, with arginine, which is basic and polar, at codon 889 of the NEXMIF protein (p.Trp889Arg). This variant is present in population databases (no rsID available, gnomAD 0.005%), including at least one homozygous and/or hemizygous individual. This variant has not been reported in the literature in individuals affected with NEXMIF-related conditions. ClinVar contains an entry for this variant (Variation ID: 2031545). An algorithm developed to predict the effect of missense changes on protein structure and function (PolyPhen-2) suggests that this variant is likely to be disruptive. In summary, the available evidence is currently insufficient to determine the role of this variant in disease. Therefore, it has been classified as a Variant of Uncertain Significance.